The following is an entry in ClinVar:

ClinVar aggregate classification (germline): Pathogenic. Review status: criteria provided, multiple submitters, no conflicts (2 of 4 stars). 3 submissions from 3 submitters: Pathogenic (3). Last evaluated 2026-01-07.

Conditions:
Familial thoracic aortic aneurysm and aortic dissection (TAAD). Also called: Thoracic aortic aneurysms and dissections. Identifiers: Orphanet 91387, MedGen C4707243, MONDO:0019625.
Marfan syndrome (MFS). Also called: Marfan syndrome type 1; Marfan syndrome, classic; Marfan's syndrome; FBN1-Related Marfan Syndrome; MARFAN SYNDROME, TYPE I. Identifiers: Orphanet 284963, Orphanet 558, MedGen C0024796, MONDO:0007947, OMIM 154700.

Submissions (3):

Labcorp Genetics (formerly Invitae), Labcorp
Classification: Pathogenic for Marfan syndrome; Familial thoracic aortic aneurysm and aortic dissection. Last evaluated: 2026-01-07. Review status: criteria provided, single submitter. Criteria: Invitae Variant Classification Sherloc (09022015). Collection method: clinical testing. Allele origin: germline.
Comment: This sequence change replaces cysteine, which is neutral and slightly polar, with arginine, which is basic and polar, at codon 2500 of the FBN1 protein (p.Cys2500Arg). This variant is not present in population databases (gnomAD no frequency). This missense change has been observed in individual(s) with Marfan syndrome (PMID: 16222657, 31730815). ClinVar contains an entry for this variant (Variation ID: 547346). Invitae Evidence Modeling of protein sequence and biophysical properties (such as structural, functional, and spatial information, amino acid conservation, physicochemical variation, residue mobility, and thermodynamic stability) indicates that this missense variant is expected to disrupt FBN1 protein function with a positive predictive value of 95%. This variant affects a cysteine residue in the EGF-like, TGFBP or hybrid motif domains of FBN1. Cysteine residues are believed to be involved in intramolecular disulfide bridges and have been shown to be important for FBN1 protein structure (PMID: 16905551, 19349279). In addition, missense substitutions affecting cysteine residues within these domains are significantly overrepresented among patients with Marfan syndrome (PMID: 16571647, 17701892). This variant disrupts the p.Cys2500 amino acid residue in FBN1. Other variant(s) that disrupt this residue have been observed in individuals with FBN1-related conditions (PMID: 11875032, 16222657), which suggests that this may be a clinically significant amino acid residue. For these reasons, this variant has been classified as Pathogenic.

Ambry Genetics
Classification: Pathogenic for Familial thoracic aortic aneurysm and aortic dissection. Last evaluated: 2020-12-15. Review status: criteria provided, single submitter. Criteria: Ambry Variant Classification Scheme 2023. Collection method: clinical testing. Allele origin: germline.
Comment: The p.C2500R pathogenic mutation (also known as c.7498T>C), located in coding exon 60 of the FBN1 gene, results from a T to C substitution at nucleotide position 7498. The cysteine at codon 2500 is replaced by arginine, an amino acid with highly dissimilar properties, and is located in the cbEGF-like #39 domain. The majority of FBN1 mutations identified to date have involved the substitution or generation of cysteine residues within cbEGF domains (Vollbrandt T et al. J Biol Chem. 2004;279(31):32924-32931). This particular alteration was reported in multiple families with Marfan syndrome (MFS) (Arbustini E et al. Hum Mutat. 2005;26(5):494; Mannucci L et al. Clin Chim Acta, 2020 Feb;501:154-164). Two other alterations in the same codon, p.C2500S and p.C2500Y, have also been associated with MFS (Ng PC et al. Genome Res. 2002;12(3):436-46; Arbustini E et al. Hum Mutat. 2005;26(5):494). Internal structural analysis indicates that this alteration disrupts a disulfide bond and is structurally destabilizing (Lee SS et al. Structure. 2004;12(4):717-29). Based on the supporting evidence, this alteration is interpreted as a disease-causing mutation.

Center for Human Genetics, Inc
Classification: Pathogenic for Marfan syndrome. Last evaluated: 2016-11-01. Review status: criteria provided, single submitter. Criteria: ACMG Guidelines, 2015. Collection method: clinical testing. Allele origin: germline. Affected: yes.

Literature cited by the submitters: PubMed 16222657 (cited by Labcorp Genetics (formerly Invitae), Labcorp and Ambry Genetics); PubMed 31730815 (cited by Labcorp Genetics (formerly Invitae), Labcorp and Ambry Genetics); PubMed 16905551 (cited by Labcorp Genetics (formerly Invitae), Labcorp); PubMed 19349279 (cited by Labcorp Genetics (formerly Invitae), Labcorp); PubMed 16571647 (cited by Labcorp Genetics (formerly Invitae), Labcorp); PubMed 17701892 (cited by Labcorp Genetics (formerly Invitae), Labcorp); PubMed 11875032 (cited by Labcorp Genetics (formerly Invitae), Labcorp and Ambry Genetics).

NM_000138.5(FBN1):c.7498T>C (p.Cys2500Arg)

Gene: FBN1 (fibrillin 1; minus strand). Cytogenetic location: 15q21.1.
Variant type: single nucleotide variant.
Coding change: c.7498T>C on transcript NM_000138.5 (MANE Select); coding-DNA position 7498, T replaced by C.
Protein change: p.Cys2500Arg; replaces cysteine 2500 with arginine.
Molecular consequence: missense variant.
Genome position (GRCh38, 1-based): chr15:48,422,024, A>G on the plus strand (T>C on the coding strand, the complement: FBN1 is on the minus strand). VCF-style: chr15-48422024-A-G. GRCh37 (hg19) VCF-style: chr15-48714221-A-G.
Other names: short protein forms C2500R.
Identifiers: ClinVar variation 547346 (VCV000547346.11), dbSNP rs363810, ClinGen allele CA392326032.